The following is an entry in ClinVar:

NM_006341.4(MAD2L2):c.582G>A (p.Ser194=)

Gene: MAD2L2 (mitotic arrest deficient 2 like 2; minus strand). Cytogenetic location: 1p36.22.
Variant type: single nucleotide variant.
Coding change: c.582G>A on transcript NM_006341.4 (MANE Select); coding-DNA position 582, G replaced by A.
Protein change: p.Ser194=; no amino-acid change (serine 194 retained).
Molecular consequence: synonymous variant.
Genome position (GRCh38, 1-based): chr1:11,675,094, C>T on the plus strand (G>A on the coding strand, the complement: MAD2L2 is on the minus strand). VCF-style: chr1-11675094-C-T. GRCh37 (hg19) VCF-style: chr1-11735151-C-T.
Other names: c.582G>A, p.Ser194= (NM_001127325.2).
Identifiers: ClinVar variation 726312 (VCV000726312.12), dbSNP rs141637184, ClinGen allele CA593648.
Genomic context (GRCh38, chr1:11,675,094, plus strand): 5'-CGTTAAGCAGCCCCTAAATAAAGCTTCCCGGGTCCCCACGAAGCTCACCTTTAAAATGTC[C>T]GACGTCATGGTTTTTAGTGGTATCAGCCGGGGGTCATGCATGTGGACATCCTGCTCATCC-3'
Protein context (NP_006332.3, residues 184-204): PRLIPLKTMT[Ser194=]DILKMQLYVE

ClinVar aggregate classification (germline): Benign/Likely benign. Review status: criteria provided, multiple submitters, no conflicts (2 of 4 stars). 3 submissions from 3 submitters: Benign (1); Likely benign (1). 1 of the submissions does not count toward it. Last evaluated 2026-01-06.

Conditions:
MAD2L2-related disorder. Also called: MAD2L2-related condition.

Allele frequency attached by ClinVar (database versions not stated): 1000 Genomes Project 0.00020; 1000 Genomes Project 30x 0.00031; gnomAD exomes 0.00036; ExAC 0.00040; gnomAD 0.00118 and 0.00130; TOPMed 0.00141; ESP Exome Variant Server 0.00208.
gnomAD v4.1: 374 of 1,594,876 alleles (0.023%); highest among the groups gnomAD compares: African/African-American, 0.44%; 2 homozygotes.

Submissions (3):

Labcorp Genetics (formerly Invitae), Labcorp
Classification: Benign. Last evaluated: 2026-01-06. Review status: criteria provided, single submitter. Criteria: Invitae Variant Classification Sherloc (09022015). Collection method: clinical testing. Allele origin: germline.

Blueprint Genetics
Classification: Likely benign. Last evaluated: 2024-11-15. Review status: criteria provided, single submitter. Criteria: ACMG Guidelines, 2015. Collection method: clinical testing. Allele origin: germline.

PreventionGenetics, part of Exact Sciences
Classification: Likely benign for MAD2L2-related condition. Last evaluated: 2019-05-23. Review status: no assertion criteria provided. Collection method: clinical testing. Allele origin: germline. Not counted in ClinVar's aggregate classification.
Comment: This variant is classified as likely benign based on ACMG/AMP sequence variant interpretation guidelines (Richards et al. 2015 PMID: 25741868, with internal and published modifications).